The following is an entry in ClinVar:

ClinVar aggregate classification (germline): Likely benign (0 of 4 stars; one submission).

Conditions:
PNPLA8-related disorder. Also called: PNPLA8-related condition.

Submission:

PreventionGenetics, part of Exact Sciences
Classification: Likely benign for PNPLA8-related condition. Last evaluated: 2019-12-09. Review status: no assertion criteria provided. Collection method: clinical testing. Allele origin: germline.
Comment: This variant is classified as likely benign based on ACMG/AMP sequence variant interpretation guidelines (Richards et al. 2015 PMID: 25741868, with internal and published modifications).

NM_001256007.3(PNPLA8):c.780A>T (p.Ser260=)

Gene: PNPLA8 (patatin like domain 8, phospholipase A2; minus strand). Cytogenetic location: 7q31.1.
Variant type: single nucleotide variant.
Coding change: c.780A>T on transcript NM_001256007.3 (MANE Select); coding-DNA position 780, A replaced by T.
Protein change: p.Ser260=; no amino-acid change (serine 260 retained).
Molecular consequence: synonymous variant.
Genome position (GRCh38, 1-based): chr7:108,514,712, T>A on the plus strand (A>T on the coding strand, the complement: PNPLA8 is on the minus strand). VCF-style: chr7-108514712-T-A. GRCh37 (hg19) VCF-style: chr7-108155156-T-A.
Other names: c.780A>T, p.Ser260= (NM_001256008.3, NM_001256009.3, NM_015723.5); c.480A>T, p.Ser160= (NM_001256010.3, NM_001256011.3).
Identifiers: ClinVar variation 3049033 (VCV003049033.2), dbSNP rs1863184041, ClinGen allele CA457207560.